The following is an entry in ClinVar:

NM_001134673.4(NFIA):c.1184C>T (p.Thr395Met)

Gene: NFIA (nuclear factor I A; plus strand). Cytogenetic location: 1p31.3.
Variant type: single nucleotide variant.
Coding change: c.1184C>T on transcript NM_001134673.4 (MANE Select); coding-DNA position 1184, C replaced by T.
Protein change: p.Thr395Met; replaces threonine 395 with methionine.
Molecular consequence: missense variant.
Genome position (GRCh38, 1-based): chr1:61,404,212, C>T. VCF-style: chr1-61404212-C-T. GRCh37 (hg19) VCF-style: chr1-61869884-C-T.
Other names: c.1160C>T, p.Thr387Met (NM_001145511.2); c.1319C>T, p.Thr440Met (NM_001145512.2); c.1184C>T, p.Thr395Met (NM_005595.5); short protein forms T387M, T395M, T440M.
Identifiers: ClinVar variation 1308598 (VCV001308598.18), dbSNP rs1388708523, ClinGen allele CA340589237.
Genomic context (GRCh38, chr1:61,404,212, plus strand): 5'-TTATCCAGCAGCCTGGGCCTTACTTCTCACACCCAGCCATCCGCTATCACCCTCAGGAGA[C>T]GCTGAAAGAATTTGTCCAACTTGTCTGCCCTGATGCTGGTCAGCAGGCTGGACAGGTGGG-3'
Protein context (NP_001128145.1, residues 385-405): HPAIRYHPQE[Thr395Met]LKEFVQLVCP

ClinVar aggregate classification (germline): Uncertain significance. Review status: criteria provided, multiple submitters, no conflicts (2 of 4 stars). 2 submissions from 2 submitters: Uncertain significance (2). Last evaluated 2024-08-01.

Allele frequency attached by ClinVar (database versions not stated): gnomAD exomes 0.00001; gnomAD 0.00002; TOPMed 0.00002.
gnomAD v4.1: 16 of 1,614,092 alleles (0.00099%); highest among the groups gnomAD compares: African/African-American, 0.0013%; no homozygotes.

Submissions (2):

CeGaT Center for Human Genetics Tuebingen
Classification: Uncertain significance. Last evaluated: 2024-08-01. Review status: criteria provided, single submitter. Criteria: CeGaT Center For Human Genetics Tuebingen Variant Classification Criteria Version 2. Collection method: clinical testing. Allele origin: germline. Affected: yes. Observed: 1 variant allele.
Comment: NFIA: PM6:Supporting, PS3:Supporting, PS4:Supporting

GeneDx
Classification: Uncertain significance. Last evaluated: 2019-01-31. Review status: criteria provided, single submitter. Criteria: GeneDx Variant Classification Process June 2021. Collection method: clinical testing. Allele origin: germline. Affected: yes.
Comment: Not observed in large population cohorts (Lek et al., 2016); In silico analysis, which includes protein predictors and evolutionary conservation, supports that this variant does not alter protein structure/function; Has not been previously published as pathogenic or benign to our knowledge